The following is an entry in ClinVar:

ClinVar aggregate classification (germline): Pathogenic (1 of 4 stars; one submission).

Submission:

Labcorp Genetics (formerly Invitae), Labcorp
Classification: Pathogenic. Last evaluated: 2024-11-11. Review status: criteria provided, single submitter. Criteria: Invitae Variant Classification Sherloc (09022015). Collection method: clinical testing. Allele origin: germline.
Comment: This sequence change affects a donor splice site in intron 28 of the MYO15A gene. It is expected to disrupt RNA splicing. Variants that disrupt the donor or acceptor splice site typically lead to a loss of protein function (PMID: 16199547), and loss-of-function variants in MYO15A are known to be pathogenic (PMID: 17546645). This variant is not present in population databases (gnomAD no frequency). Disruption of this splice site has been observed in individual(s) with deafness (internal data). In at least one individual the data is consistent with being in trans (on the opposite chromosome) from a pathogenic variant. ClinVar contains an entry for this variant (Variation ID: 1978420). Algorithms developed to predict the effect of sequence changes on RNA splicing suggest that this variant may disrupt the consensus splice site. For these reasons, this variant has been classified as Pathogenic.

Literature cited by the submitters: PubMed 16199547; PubMed 17546645.

NM_016239.4(MYO15A):c.6177+2T>G

Gene: MYO15A (myosin XVA; plus strand). Cytogenetic location: 17p11.2.
Variant type: single nucleotide variant.
Coding change: c.6177+2T>G on transcript NM_016239.4 (MANE Select); the canonical splice donor site of the intron after coding-DNA position 6177, T replaced by G.
Molecular consequence: splice donor variant.
Genome position (GRCh38, 1-based): chr17:18,144,002, T>G. VCF-style: chr17-18144002-T-G. GRCh37 (hg19) VCF-style: chr17-18047316-T-G.
Identifiers: ClinVar variation 1978420 (VCV001978420.4), dbSNP rs2545266943, ClinGen allele CA398606024.
Genomic context (GRCh38, chr17:18,144,002, plus strand): 5'-CACTGCCCCTGGACATCAACAACTATCCTATGGCCAAGTTTGTCCAGTGCCACTTCAAGG[T>G]AAGGGCTAGCTGAAGTCCAAGGCTCCCTGGCTGATAGGCGCTGACCAATTAGAATGGACA-3'